The following is an entry in ClinVar:

ClinVar aggregate classification (germline): Conflicting classifications of pathogenicity. Review status: criteria provided, conflicting classifications (1 of 4 stars). 3 submissions from 3 submitters: Uncertain significance (1); Likely benign (1). 1 of the submissions does not count toward it. Last evaluated 2025-05-05.

Conditions:
Citrin deficiency. Identifiers: Orphanet 247582, MedGen C1997910, MONDO:0016602.
SLC25A13-related disorder. Also called: SLC25A13-related condition.
Citrullinemia type II. Also called: Citrullinemia Type II (CTLN2). Identifiers: Orphanet 247585, MedGen C1863844, MONDO:0016603.

Allele frequency attached by ClinVar (database versions not stated): gnomAD exomes 0.00005; ExAC 0.00007; gnomAD 0.00007; TOPMed 0.00008.
gnomAD v4.1: 146 of 1,540,174 alleles (0.0095%); highest among the groups gnomAD compares: Non-Finnish European, 0.012%; no homozygotes.

Submissions (3):

Labcorp Genetics (formerly Invitae), Labcorp
Classification: Likely benign for Citrin deficiency. Last evaluated: 2025-05-05. Review status: criteria provided, single submitter. Criteria: Invitae Variant Classification Sherloc (09022015). Collection method: clinical testing. Allele origin: germline.

Illumina Laboratory Services, Illumina
Classification: Uncertain significance for Citrullinemia, type II, adult-onset. Last evaluated: 2018-01-13. Review status: criteria provided, single submitter. Criteria: ICSL Variant Classification Criteria 13 December 2019. Collection method: clinical testing. Allele origin: germline.

PreventionGenetics, part of Exact Sciences
Classification: Likely benign for SLC25A13-related condition. Last evaluated: 2021-03-17. Review status: no assertion criteria provided. Collection method: clinical testing. Allele origin: germline. Not counted in ClinVar's aggregate classification.
Comment: This variant is classified as likely benign based on ACMG/AMP sequence variant interpretation guidelines (Richards et al. 2015 PMID: 25741868, with internal and published modifications).

NM_014251.3(SLC25A13):c.6G>T (p.Ala2=)

Genes: SLC25A13 (solute carrier family 25 member 13; minus strand), LOC129998833 (ATAC-STARR-seq lymphoblastoid silent region 18384; plus strand). Cytogenetic location: 7q21.3.
Variant type: single nucleotide variant.
Coding change: c.6G>T on transcript NM_014251.3 (MANE Select); coding-DNA position 6, G replaced by T.
Protein change: p.Ala2=; no amino-acid change (alanine 2 retained).
Molecular consequence: synonymous variant. On other transcripts: non-coding transcript variant (1).
Genome position (GRCh38, 1-based): chr7:96,321,951, C>A on the plus strand (G>T on the coding strand, the complement: SLC25A13 is on the minus strand). VCF-style: chr7-96321951-C-A. GRCh37 (hg19) VCF-style: chr7-95951263-C-A.
Other names: c.6G>T, p.Ala2= (NM_001160210.2).
Identifiers: ClinVar variation 361027 (VCV000361027.19), dbSNP rs774562949, ClinGen allele CA4353437.